The following is an entry in ClinVar:

NM_052947.4(ALPK2):c.4888C>A (p.Pro1630Thr)

Gene: ALPK2 (alpha kinase 2; minus strand). Cytogenetic location: 18q21.31.
Variant type: single nucleotide variant.
Coding change: c.4888C>A on transcript NM_052947.4 (MANE Select); coding-DNA position 4888, C replaced by A.
Protein change: p.Pro1630Thr; replaces proline 1630 with threonine.
Molecular consequence: missense variant.
Genome position (GRCh38, 1-based): chr18:58,535,299, G>T on the plus strand (C>A on the coding strand, the complement: ALPK2 is on the minus strand). VCF-style: chr18-58535299-G-T. GRCh37 (hg19) VCF-style: chr18-56202531-G-T.
Other names: short protein forms P1630T.
Identifiers: ClinVar variation 3530857 (VCV003530857.1).

ClinVar aggregate classification (germline): Uncertain significance (1 of 4 stars; one submission).

gnomAD v4.1: 1 of 1,614,112 alleles (0.000062%); highest among the groups gnomAD compares: African/African-American, 0.0013%; no homozygotes.

Submission:

Ambry Genetics
Classification: Uncertain significance. Last evaluated: 2024-07-23. Review status: criteria provided, single submitter. Criteria: Ambry Variant Classification Scheme 2023. Collection method: clinical testing. Allele origin: germline.
Comment: The p.P1630T variant (also known as c.4888C>A), located in coding exon 4 of the ALPK2 gene, results from a C to A substitution at nucleotide position 4888. The proline at codon 1630 is replaced by threonine, an amino acid with highly similar properties. This amino acid position is conserved. In addition, this alteration is predicted to be tolerated by in silico analysis. Based on the available evidence, the clinical significance of this variant remains unclear.